The following is an entry in ClinVar:

NM_000214.3(JAG1):c.782A>T (p.Tyr261Phe)

Gene: JAG1 (jagged canonical Notch ligand 1; minus strand). Cytogenetic location: 20p12.2.
Variant type: single nucleotide variant.
Coding change: c.782A>T on transcript NM_000214.3 (MANE Select); coding-DNA position 782, A replaced by T.
Protein change: p.Tyr261Phe; replaces tyrosine 261 with phenylalanine.
Molecular consequence: missense variant.
Genome position (GRCh38, 1-based): chr20:10,652,572, T>A on the plus strand (A>T on the coding strand, the complement: JAG1 is on the minus strand). VCF-style: chr20-10652572-T-A. GRCh37 (hg19) VCF-style: chr20-10633220-T-A.
Other names: short protein forms Y261F.
Identifiers: ClinVar variation 3573370 (VCV003573370.2).

Conditions:
Arteriohepatic dysplasia. Also called: Alagille Syndrome. Identifiers: Orphanet 52, MedGen C0085280, MeSH D016738, MONDO:0007318.

Submission:

Gilbert/Spinner Lab, Children's Hospital of Philadelphia
No classification provided (evidence only). Condition: Alagille syndrome. Review status: no classification provided. Collection method: research. Allele origin: not applicable. Functional consequence: functionally_abnormal.
ClinVar note: "not provided" was previously submitted as the classification for the variant. However, the classification appeared to be based only on an observation of functional data so it was converted to no classification on 2025-07-30.